The following is an entry in ClinVar:

ClinVar aggregate classification (germline): Uncertain significance. Review status: criteria provided, multiple submitters, no conflicts (2 of 4 stars). 2 submissions from 2 submitters: Uncertain significance (2). Last evaluated 2024-01-13.

Conditions:
Bent bone dysplasia syndrome 1 (BBDS1). Also called: FGFR2-related bent bone dysplasia. Identifiers: Orphanet 313855, MedGen C3281247, MONDO:0013815, OMIM 614592.
Crouzon syndrome. Also called: Craniofacial dysostosis; CRANIOFACIAL DYSOSTOSIS, TYPE I; Craniofacial dysostosis type 1; Crouzon craniofacial dysostosis; Crouzon disease. Identifiers: Orphanet 207, MedGen C0010273, MeSH D003394, MONDO:0007405, OMIM 123500, HP:0004439.
Familial scaphocephaly syndrome, McGillivray type. Also called: SCAPHOCEPHALY, MAXILLARY RETRUSION, AND IMPAIRED INTELLECTUAL DEVELOPMENT. Identifiers: Orphanet 168624, MedGen C1865070, MONDO:0012307, OMIM 609579.
Acrocephalosyndactyly type I (ACS1). Also called: Apert syndrome; Acrocephalo-syndactyly type 1; ACS 1; Syndactylic oxycephaly. Identifiers: Orphanet 87, MedGen C0001193, MONDO:0007041, OMIM 101200.
Gastric cancer. Also called: Malignant tumor of stomach; Stomach cancer. Identifiers: MedGen C0024623, MeSH D013274, MONDO:0001056, OMIM 613659, HP:0012126.
Jackson-Weiss syndrome (JWS). Also called: CRANIOSYNOSTOSIS, MIDFACIAL HYPOPLASIA, AND FOOT ABNORMALITIES. Identifiers: Orphanet 1540, MedGen C0795998, MONDO:0007400, OMIM 123150. Disease mechanism: loss of function.
Beare-Stevenson cutis gyrata syndrome (BSTVS). Identifiers: Orphanet 1555, MedGen C1852406, MONDO:0007412, OMIM 123790.
Saethre-Chotzen syndrome (SCS). Also called: CHOTZEN SYNDROME; ACROCEPHALY, SKULL ASYMMETRY, AND MILD SYNDACTYLY; ACS III. Identifiers: Orphanet 794, MedGen C0175699, MONDO:0007042, OMIM 101400.
LADD syndrome 1 (LADD1). Also called: Lacrimoauriculodentodigital syndrome 1. Identifiers: MedGen C5774323, MONDO:0100302, OMIM 149730.
Antley-Bixler syndrome without genital anomalies or disordered steroidogenesis (ABS2). Also called: MULTISYNOSTOTIC OSTEODYSGENESIS WITH LONG BONE FRACTURES; Antley-Bixler Syndrome, Autosomal Dominant; Trapezoidocephaly synostosis syndrome; Osteodysgenesis, multisynostotic with fractures. Identifiers: Orphanet 596008, Orphanet 83, MedGen C2936791, MONDO:0020667, OMIM 207410.
Pfeiffer syndrome (ACS5). Also called: ACS V. Identifiers: Orphanet 710, MedGen C0220658, MONDO:0007043, OMIM 101600.
FGFR2-related craniosynostosis. Identifiers: MedGen CN231480.

Allele frequency attached by ClinVar (database versions not stated): gnomAD exomes below 0.00001; TOPMed below 0.00001.
gnomAD v4.1: 3 of 1,614,118 alleles (0.00019%); highest among the groups gnomAD compares: African/African-American, 0.0027%; no homozygotes.

Submissions (2):

Fulgent Genetics
Classification: Uncertain significance for Acrocephalosyndactyly type I; Saethre-Chotzen syndrome; Pfeiffer syndrome; Jackson-Weiss syndrome; Crouzon syndrome; Beare-Stevenson cutis gyrata syndrome; LADD syndrome 1; Antley-Bixler syndrome without genital anomalies or disordered steroidogenesis; Familial scaphocephaly syndrome, McGillivray type; Gastric cancer; Bent bone dysplasia syndrome 1. Last evaluated: 2024-01-13. Review status: criteria provided, single submitter. Criteria: ACMG Guidelines, 2015. Collection method: clinical testing. Allele origin: germline.

Labcorp Genetics (formerly Invitae), Labcorp
Classification: Uncertain significance for FGFR2-related craniosynostosis. Last evaluated: 2022-07-26. Review status: criteria provided, single submitter. Criteria: Invitae Variant Classification Sherloc (09022015). Collection method: clinical testing. Allele origin: germline.
Comment: In summary, the available evidence is currently insufficient to determine the role of this variant in disease. Therefore, it has been classified as a Variant of Uncertain Significance. Algorithms developed to predict the effect of missense changes on protein structure and function are either unavailable or do not agree on the potential impact of this missense change (SIFT: "Tolerated"; PolyPhen-2: "Possibly Damaging"; Align-GVGD: "Class C0"). This variant has not been reported in the literature in individuals affected with FGFR2-related conditions. This variant is not present in population databases (gnomAD no frequency). This sequence change replaces valine, which is neutral and non-polar, with glycine, which is neutral and non-polar, at codon 86 of the FGFR2 protein (p.Val86Gly).

NM_000141.5(FGFR2):c.257T>G (p.Val86Gly)

Gene: FGFR2 (fibroblast growth factor receptor 2; minus strand). Cytogenetic location: 10q26.13.
Variant type: single nucleotide variant.
Coding change: c.257T>G on transcript NM_000141.5 (MANE Select); coding-DNA position 257, T replaced by G.
Protein change: p.Val86Gly; replaces valine 86 with glycine.
Molecular consequence: missense variant. On other transcripts: intron variant (9).
Genome position (GRCh38, 1-based): chr10:121,565,557, A>C on the plus strand (T>G on the coding strand, the complement: FGFR2 is on the minus strand). VCF-style: chr10-121565557-A-C. GRCh37 (hg19) VCF-style: chr10-123325071-A-C.
Other names: c.257T>G, p.Val86Gly (NM_001144913.1, NM_001144914.1, NM_001144917.2 and 3 more transcripts); c.110-14098T>G (NM_001144918.2, NM_001441091.1, NM_001441090.1 and 1 more transcripts); c.110-978T>G (NM_001441089.1, NM_023029.3, NM_001441088.1 and 2 more transcripts); short protein forms V86G.
Identifiers: ClinVar variation 1966091 (VCV001966091.6), dbSNP rs1857549548, ClinGen allele CA378325008.
Genomic context (GRCh38, chr10:121,565,557, plus strand): 5'-GCATAGAGGCCGGAGTCTCTAGGCGTGGCGCCCTTTATCTGCAAGTACTCCCCAATAAGC[A>C]CTGTCCTATTGTTGGGCCCCAAGTGCACCCCATCCTTAGTCCAACTGATCACGGCGGCAT-3'
Protein context (NP_000132.3, residues 76-96): GVHLGPNNRT[Val86Gly]LIGEYLQIKG